The following is an entry in ClinVar:

NM_006206.6(PDGFRA):c.2731A>T (p.Ser911Cys)

Gene: PDGFRA (platelet derived growth factor receptor alpha; plus strand). Cytogenetic location: 4q12.
Variant type: single nucleotide variant.
Coding change: c.2731A>T on transcript NM_006206.6 (MANE Select); coding-DNA position 2731, A replaced by T.
Protein change: p.Ser911Cys; replaces serine 911 with cysteine.
Molecular consequence: missense variant.
Genome position (GRCh38, 1-based): chr4:54,288,855, A>T. VCF-style: chr4-54288855-A-T. GRCh37 (hg19) VCF-style: chr4-55155022-A-T.
Other names: c.2806A>T, p.Ser936Cys (NM_001347828.2); c.2731A>T, p.Ser911Cys (NM_001347829.2); c.2770A>T, p.Ser924Cys (NM_001347830.2); short protein forms S911C, S936C, S924C.
Identifiers: ClinVar variation 3664836 (VCV003664836.2).

ClinVar aggregate classification (germline): Uncertain significance (1 of 4 stars; one submission).

Conditions:
Gastrointestinal stromal tumor. Also called: Gastrointestinal stromal tumor, somatic; Gastrointestinal stroma tumor. Identifiers: Orphanet 44890, MedGen C0238198, MeSH D046152, MONDO:0011719, OMIM 606764, HP:0100723.

Submission:

Labcorp Genetics (formerly Invitae), Labcorp
Classification: Uncertain significance for Gastrointestinal stromal tumor. Last evaluated: 2024-11-19. Review status: criteria provided, single submitter. Criteria: Invitae Variant Classification Sherloc (09022015). Collection method: clinical testing. Allele origin: germline.
Comment: This sequence change replaces serine, which is neutral and polar, with cysteine, which is neutral and slightly polar, at codon 911 of the PDGFRA protein (p.Ser911Cys). This variant is not present in population databases (gnomAD no frequency). This variant has not been reported in the literature in individuals affected with PDGFRA-related conditions. Invitae Evidence Modeling of protein sequence and biophysical properties (such as structural, functional, and spatial information, amino acid conservation, physicochemical variation, residue mobility, and thermodynamic stability) indicates that this missense variant is not expected to disrupt PDGFRA protein function with a negative predictive value of 80%. In summary, the available evidence is currently insufficient to determine the role of this variant in disease. Therefore, it has been classified as a Variant of Uncertain Significance.